The following is an entry in ClinVar:

ClinVar aggregate classification (germline): Uncertain significance (1 of 4 stars; one submission).

Submission:

GeneDx
Classification: Uncertain significance. Last evaluated: 2020-11-05. Review status: criteria provided, single submitter. Criteria: GeneDx Variant Classification Process June 2021. Collection method: clinical testing. Allele origin: germline. Affected: yes.
Comment: Has not been previously published as pathogenic or benign to our knowledge; Not observed in large population cohorts (Lek et al., 2016); In silico analysis supports that this missense variant has a deleterious effect on protein structure/function

NM_005359.6(SMAD4):c.97G>A (p.Glu33Lys)

Gene: SMAD4 (SMAD family member 4; plus strand). Cytogenetic location: 18q21.2.
Variant type: single nucleotide variant.
Coding change: c.97G>A on transcript NM_005359.6 (MANE Select); coding-DNA position 97, G replaced by A.
Protein change: p.Glu33Lys; replaces glutamic acid 33 with lysine.
Molecular consequence: missense variant.
Genome position (GRCh38, 1-based): chr18:51,047,143, G>A. VCF-style: chr18-51047143-G-A. GRCh37 (hg19) VCF-style: chr18-48573513-G-A.
Other names: short protein forms E33K.
Identifiers: ClinVar variation 1313651 (VCV001313651.2), dbSNP rs2144400892, ClinGen allele CA402457613.